The following is an entry in ClinVar:

ClinVar aggregate classification (germline): Uncertain significance (1 of 4 stars; one submission).

Conditions:
Severe combined immunodeficiency due to DNA-PKcs deficiency. Also called: IMMUNODEFICIENCY 26 WITH NEUROLOGIC ABNORMALITIES; Immunodeficiency 26 with or without neurologic abnormalities. Identifiers: Orphanet 317425, MedGen C4014833, MONDO:0014423, OMIM 615966.

Submission:

Labcorp Genetics (formerly Invitae), Labcorp
Classification: Uncertain significance for Severe combined immunodeficiency due to DNA-PKcs deficiency. Last evaluated: 2024-10-21. Review status: criteria provided, single submitter. Criteria: Invitae Variant Classification Sherloc (09022015). Collection method: clinical testing. Allele origin: germline.
Comment: This sequence change replaces proline, which is neutral and non-polar, with threonine, which is neutral and polar, at codon 750 of the PRKDC protein (p.Pro750Thr). This variant is not present in population databases (gnomAD no frequency). This variant has not been reported in the literature in individuals affected with PRKDC-related conditions. ClinVar contains an entry for this variant (Variation ID: 1443461). Invitae Evidence Modeling of protein sequence and biophysical properties (such as structural, functional, and spatial information, amino acid conservation, physicochemical variation, residue mobility, and thermodynamic stability) has been performed for this missense variant. However, the output from this modeling did not meet the statistical confidence thresholds required to predict the impact of this variant on PRKDC protein function. In summary, the available evidence is currently insufficient to determine the role of this variant in disease. Therefore, it has been classified as a Variant of Uncertain Significance.

NM_006904.7(PRKDC):c.2248C>A (p.Pro750Thr)

Gene: PRKDC (protein kinase, DNA-activated, catalytic subunit; minus strand). Cytogenetic location: 8q11.21.
Variant type: single nucleotide variant.
Coding change: c.2248C>A on transcript NM_006904.7 (MANE Select); coding-DNA position 2248, C replaced by A.
Protein change: p.Pro750Thr; replaces proline 750 with threonine.
Molecular consequence: missense variant.
Genome position (GRCh38, 1-based): chr8:47,927,782, G>T on the plus strand (C>A on the coding strand, the complement: PRKDC is on the minus strand). VCF-style: chr8-47927782-G-T. GRCh37 (hg19) VCF-style: chr8-48840342-G-T.
Other names: c.2248C>A, p.Pro750Thr (NM_001081640.2); short protein forms P750T.
Identifiers: ClinVar variation 1443461 (VCV001443461.6), dbSNP rs2090177848, ClinGen allele CA371162423.